The following is an entry in ClinVar:

NM_000079.4(CHRNA1):c.869C>T (p.Ala290Val)

Gene: CHRNA1 (cholinergic receptor nicotinic alpha 1 subunit; minus strand). Cytogenetic location: 2q31.1.
Variant type: single nucleotide variant.
Coding change: c.869C>T on transcript NM_000079.4 (MANE Select); coding-DNA position 869, C replaced by T.
Protein change: p.Ala290Val; replaces alanine 290 with valine.
Molecular consequence: missense variant.
Genome position (GRCh38, 1-based): chr2:174,750,079, G>A on the plus strand (C>T on the coding strand, the complement: CHRNA1 is on the minus strand). VCF-style: chr2-174750079-G-A. GRCh37 (hg19) VCF-style: chr2-175614807-G-A.
Other names: c.944C>T, p.Ala315Val (NM_001039523.3); short protein forms A290V, A315V.
Identifiers: ClinVar variation 3702837 (VCV003702837.2).

ClinVar aggregate classification (germline): Uncertain significance (1 of 4 stars; one submission).

Conditions:
Lethal multiple pterygium syndrome (LMPS). Identifiers: Orphanet 33108, MedGen C1854678, MONDO:0009668, OMIM 253290.

Submission:

Labcorp Genetics (formerly Invitae), Labcorp
Classification: Uncertain significance for Lethal multiple pterygium syndrome. Last evaluated: 2024-10-13. Review status: criteria provided, single submitter. Criteria: Invitae Variant Classification Sherloc (09022015). Collection method: clinical testing. Allele origin: germline.
Comment: This sequence change replaces alanine, which is neutral and non-polar, with valine, which is neutral and non-polar, at codon 290 of the CHRNA1 protein (p.Ala290Val). This variant is not present in population databases (gnomAD no frequency). This variant has not been reported in the literature in individuals affected with CHRNA1-related conditions. Invitae Evidence Modeling of protein sequence and biophysical properties (such as structural, functional, and spatial information, amino acid conservation, physicochemical variation, residue mobility, and thermodynamic stability) indicates that this missense variant is not expected to disrupt CHRNA1 protein function with a negative predictive value of 80%. In summary, the available evidence is currently insufficient to determine the role of this variant in disease. Therefore, it has been classified as a Variant of Uncertain Significance.